The following is an entry in ClinVar:

NM_001384474.1(LOXHD1):c.4149G>A (p.Thr1383=)

Gene: LOXHD1 (lipoxygenase homology PLAT domains 1; minus strand). Cytogenetic location: 18q21.1.
Variant type: single nucleotide variant.
Coding change: c.4149G>A on transcript NM_001384474.1 (MANE Select); coding-DNA position 4149, G replaced by A.
Protein change: p.Thr1383=; no amino-acid change (threonine 1383 retained).
Molecular consequence: synonymous variant.
Genome position (GRCh38, 1-based): chr18:46,534,398, C>T on the plus strand (G>A on the coding strand, the complement: LOXHD1 is on the minus strand). VCF-style: chr18-46534398-C-T. GRCh37 (hg19) VCF-style: chr18-44114361-C-T.
Other names: c.816G>A, p.Thr272= (NM_001145472.3); c.528G>A, p.Thr176= (NM_001308013.2); c.4149G>A, p.Thr1383= (NM_144612.7).
Identifiers: ClinVar variation 163909 (VCV000163909.29), dbSNP rs373657978, ClinGen allele CA176626.

ClinVar aggregate classification (germline): Likely benign. Review status: criteria provided, multiple submitters, no conflicts (2 of 4 stars). 4 submissions from 4 submitters: Likely benign (2). 2 of the submissions do not count toward it. Last evaluated 2023-11-01.

Conditions:
LOXHD1-related disorder. Also called: LOXHD1-related condition.
Autosomal recessive nonsyndromic hearing loss 77. Identifiers: Orphanet 90636, MedGen C2746083, MONDO:0013119, OMIM 613079.

Allele frequency attached by ClinVar (database versions not stated): gnomAD exomes 0.00004; TOPMed 0.00005; gnomAD 0.00006; ExAC 0.00009; ESP Exome Variant Server 0.00066.
gnomAD v4.1: 151 of 1,551,502 alleles (0.0097%); highest among the groups gnomAD compares: Middle Eastern, 0.017%; no homozygotes.

Submissions (4):

CeGaT Center for Human Genetics Tuebingen
Classification: Likely benign. Last evaluated: 2023-11-01. Review status: criteria provided, single submitter. Criteria: CeGaT Center For Human Genetics Tuebingen Variant Classification Criteria Version 2. Collection method: clinical testing. Allele origin: germline. Affected: yes. Observed: 1 variant allele.
Comment: LOXHD1: BP4, BP7

Laboratory for Molecular Medicine, Mass General Brigham Personalized Medicine
Classification: Likely benign. Last evaluated: 2012-04-30. Review status: criteria provided, single submitter. Criteria: LMM Criteria. Collection method: clinical testing. Allele origin: germline. Observed: 1 variant allele.
Comment: Thr1383Thr in Exon 27 of LOXHD1: This variant is not expected to have clinical s ignificance because it does not alter an amino acid residue, is not located with in the splice consensus sequence, and has been identified in 1/2532 European Ame rican chromosomes from a broad population by the NHLBI Exome Sequencing Project.

PreventionGenetics, part of Exact Sciences
Classification: Likely benign for LOXHD1-related condition. Last evaluated: 2020-02-25. Review status: no assertion criteria provided. Collection method: clinical testing. Allele origin: germline. Not counted in ClinVar's aggregate classification.
Comment: This variant is classified as likely benign based on ACMG/AMP sequence variant interpretation guidelines (Richards et al. 2015 PMID: 25741868, with internal and published modifications).

Counsyl
Classification: Likely benign for Autosomal recessive nonsyndromic hearing loss 77. Last evaluated: 2018-04-26. Review status: no assertion criteria provided. Collection method: clinical testing. Allele origin: unknown. Not counted in ClinVar's aggregate classification.